The following is an entry in ClinVar:

NM_000368.5(TSC1):c.1456C>G (p.Leu486Val)

Gene: TSC1 (TSC complex subunit 1; minus strand). Cytogenetic location: 9q34.13.
Variant type: single nucleotide variant.
Coding change: c.1456C>G on transcript NM_000368.5 (MANE Select); coding-DNA position 1456, C replaced by G.
Protein change: p.Leu486Val; replaces leucine 486 with valine.
Molecular consequence: missense variant.
Genome position (GRCh38, 1-based): chr9:132,906,122, G>C on the plus strand (C>G on the coding strand, the complement: TSC1 is on the minus strand). VCF-style: chr9-132906122-G-C. GRCh37 (hg19) VCF-style: chr9-135781509-G-C.
Other names: c.1093C>G, p.Leu365Val (NM_001362177.2); c.1453C>G, p.Leu485Val (NM_001162426.2); c.1303C>G, p.Leu435Val (NM_001162427.2); short protein forms L365V, L435V, L485V, L486V.
Identifiers: ClinVar variation 1312048 (VCV001312048.4), dbSNP rs2131849950, ClinGen allele CA375365556.
Genomic context (GRCh38, chr9:132,906,122, plus strand): 5'-GAGAGTCAAAGCCTCCTCGAGGAACCACAGGCTCTGCCTCTGCTGTGGTGATCTCAGAAA[G>C]TTCTCTAGATATTGCAGCTGAGAGGAAGAGAGGAAACAAAAGAAATGGCAGTCGGTATTC-3'
Protein context (NP_000359.1, residues 476-496): DKEEAAISRE[Leu486Val]SEITTAEAEP

ClinVar aggregate classification (germline): Uncertain significance. Review status: criteria provided, multiple submitters, no conflicts (2 of 4 stars). 2 submissions from 2 submitters: Uncertain significance (2). Last evaluated 2025-02-03.

Conditions:
Tuberous sclerosis 1 (TSC1). Identifiers: Orphanet 805, MedGen C1854465, MONDO:0008612, OMIM 191100.

Submissions (2):

Labcorp Genetics (formerly Invitae), Labcorp
Classification: Uncertain significance for Tuberous sclerosis 1. Last evaluated: 2025-02-03. Review status: criteria provided, single submitter. Criteria: Invitae Variant Classification Sherloc (09022015). Collection method: clinical testing. Allele origin: germline.
Comment: This sequence change replaces leucine, which is neutral and non-polar, with valine, which is neutral and non-polar, at codon 486 of the TSC1 protein (p.Leu486Val). This variant is not present in population databases (gnomAD no frequency). This variant has not been reported in the literature in individuals affected with TSC1-related conditions. ClinVar contains an entry for this variant (Variation ID: 1312048). Invitae Evidence Modeling of protein sequence and biophysical properties (such as structural, functional, and spatial information, amino acid conservation, physicochemical variation, residue mobility, and thermodynamic stability) indicates that this missense variant is not expected to disrupt TSC1 protein function with a negative predictive value of 95%. In summary, the available evidence is currently insufficient to determine the role of this variant in disease. Therefore, it has been classified as a Variant of Uncertain Significance.

GeneDx
Classification: Uncertain significance. Last evaluated: 2019-09-03. Review status: criteria provided, single submitter. Criteria: GeneDx Variant Classification Process June 2021. Collection method: clinical testing. Allele origin: germline. Affected: yes.
Comment: Not observed in large population cohorts (Lek 2016); In silico analysis, which includes protein predictors and evolutionary conservation, supports that this variant does not alter protein structure/function; Has not been previously published as pathogenic or benign to our knowledge